The following is an entry in ClinVar:

ClinVar aggregate classification (germline): Uncertain significance (1 of 4 stars; one submission).

Conditions:
Baller-Gerold syndrome (BGS). Also called: CRANIOSYNOSTOSIS WITH RADIAL DEFECTS. Identifiers: Orphanet 1225, MedGen C0265308, MONDO:0009039, OMIM 218600.

Allele frequency attached by ClinVar (database versions not stated): gnomAD exomes below 0.00001.

Submission:

Labcorp Genetics (formerly Invitae), Labcorp
Classification: Uncertain significance for Baller-Gerold syndrome. Last evaluated: 2019-12-20. Review status: criteria provided, single submitter. Criteria: Invitae Variant Classification Sherloc (09022015). Collection method: clinical testing. Allele origin: germline.
Comment: This variant, c.1068_1094del, results in the deletion of 9 amino acid(s) of the RECQL4 protein (p.Asn357_Arg365del), but otherwise preserves the integrity of the reading frame. This variant is not present in population databases (ExAC no frequency). This variant has not been reported in the literature in individuals with RECQL4-related conditions. Experimental studies and prediction algorithms are not available or were not evaluated, and the functional significance of this variant is currently unknown. In summary, the available evidence is currently insufficient to determine the role of this variant in disease. Therefore, it has been classified as a Variant of Uncertain Significance.

NM_004260.4(RECQL4):c.1068_1094del (p.Asn357_Arg365del)

Gene: RECQL4 (RecQ like helicase 4; minus strand). Cytogenetic location: 8q24.3.
Variant type: Deletion.
Coding change: c.1068_1094del on transcript NM_004260.4 (MANE Select); coding-DNA positions 1068 to 1094, 27 bases deleted (CAACATGAAGCAGAAACACTACGTGCG).
Protein change: p.Asn357_Arg365del.
Molecular consequence: inframe deletion.
Genome position (GRCh38, 1-based): chr8:144,516,025-144,516,051, CGCACGTAGTGTTTCTGCTTCATGTTG deleted on the plus strand (CAACATGAAGCAGAAACACTACGTGCG on the coding strand, the reverse complement: RECQL4 is on the minus strand). VCF-style (leftmost placement, unchanged base first): chr8-144516024-CCGCACGTAGTGTTTCTGCTTCATGTTG-C. GRCh37 (hg19) VCF-style: chr8-145741408-CCGCACGTAGTGTTTCTGCTTCATGTTG-C.
Identifiers: ClinVar variation 838841 (VCV000838841.1), dbSNP rs1828134241, ClinGen allele CA916083028.
Genomic context (GRCh38, chr8:144,516,024, plus strand): 5'-TGTCCTGGCCCGTCGCTGTCTTACCTGCTTGCGGAGGAGCCTGCTACGGAGTGCCCGGCC[CCGCACGTAGTGTTTCTGCTTCATGTTG>C]AGCCGTACGTAATTGCCCCTGTCATGGCGGGCCAGCCGAGGGAAGATGTGCAGGGGGGCT-3'